The following is an entry in ClinVar:

ClinVar aggregate classification (germline): Uncertain significance. Review status: criteria provided, multiple submitters, no conflicts (2 of 4 stars). 2 submissions from 2 submitters: Uncertain significance (2). Last evaluated 2025-03-28.

Conditions:
Inborn genetic diseases. Identifiers: MedGen C0950123, MeSH D030342.

Allele frequency attached by ClinVar (database versions not stated): TOPMed below 0.00001; gnomAD exomes below 0.00001.
gnomAD v4.1: 6 of 1,182,220 alleles (0.00051%); highest among the groups gnomAD compares: Non-Finnish European, 0.00057%; no homozygotes.

Submissions (2):

Ambry Genetics
Classification: Uncertain significance for Inborn genetic diseases. Last evaluated: 2025-03-28. Review status: criteria provided, single submitter. Criteria: Ambry Variant Classification Scheme 2023. Collection method: clinical testing. Allele origin: germline.

GeneDx
Classification: Uncertain significance. Last evaluated: 2022-02-24. Review status: criteria provided, single submitter. Criteria: GeneDx Variant Classification Process June 2021. Collection method: clinical testing. Allele origin: germline. Affected: yes.
Comment: In silico analysis supports that this missense variant does not alter protein structure/function; Has not been previously published as pathogenic or benign to our knowledge

NM_001368397.1(FRMPD4):c.1234T>C (p.Phe412Leu)

Gene: FRMPD4 (FERM and PDZ domain containing 4; plus strand). Cytogenetic location: Xp22.2.
Variant type: single nucleotide variant.
Coding change: c.1234T>C on transcript NM_001368397.1 (MANE Select); coding-DNA position 1234, T replaced by C.
Protein change: p.Phe412Leu; replaces phenylalanine 412 with leucine.
Molecular consequence: missense variant.
Genome position (GRCh38, 1-based): chrX:12,706,862, T>C. VCF-style: chrX-12706862-T-C. GRCh37 (hg19) VCF-style: chrX-12724981-T-C.
Other names: c.1345T>C, p.Phe449Leu (NM_001368395.3, NM_001368398.3); c.1240T>C, p.Phe414Leu (NM_001368396.3); c.1225T>C, p.Phe409Leu (NM_001368399.3); c.1114T>C, p.Phe372Leu (NM_001368400.3); c.1210T>C, p.Phe404Leu (NM_001368401.1, NM_001368402.3); c.1234T>C, p.Phe412Leu (NM_014728.3); short protein forms F372L, F404L, F409L, F412L, F414L, F449L.
Identifiers: ClinVar variation 1703286 (VCV001703286.3), dbSNP rs939015475, ClinGen allele CA326107106.